The following is an entry in ClinVar:

NM_032122.5(DTNBP1):c.356-7C>T

Gene: DTNBP1 (dystrobrevin binding protein 1; minus strand). Cytogenetic location: 6p22.3.
Variant type: single nucleotide variant.
Coding change: c.356-7C>T on transcript NM_032122.5 (MANE Select); 7 bases into the intron before coding-DNA position 356, C replaced by T.
Molecular consequence: intron variant.
Genome position (GRCh38, 1-based): chr6:15,615,406, G>A on the plus strand (C>T on the coding strand, the complement: DTNBP1 is on the minus strand). VCF-style: chr6-15615406-G-A. GRCh37 (hg19) VCF-style: chr6-15615637-G-A.
Other names: p.?; c.251-7C>T (NM_001271669.2); c.305-7C>T (NM_001271668.2); c.113-7C>T (NM_001271667.2); c.356-7C>T (NM_183040.2).
Identifiers: ClinVar variation 163302 (VCV000163302.17), dbSNP rs3829893, ClinGen allele CA175984.

ClinVar aggregate classification (germline): Benign/Likely benign. Review status: criteria provided, multiple submitters, no conflicts (2 of 4 stars). 6 submissions from 6 submitters: Benign (5); Likely benign (1). Last evaluated 2026-02-04.

Allele frequency attached by ClinVar (database versions not stated): ESP Exome Variant Server 0.13425; gnomAD 0.14250 and 0.14665; TOPMed 0.14418; gnomAD exomes 0.15779 and 0.16982; ExAC 0.16676; 1000 Genomes Project 30x 0.16708; 1000 Genomes Project 0.17212.
gnomAD v4.1: 253,938 of 1,613,078 alleles (16%); highest among the groups gnomAD compares: Middle Eastern, 28%; 21,374 homozygotes.

Submissions (6):

Labcorp Genetics (formerly Invitae), Labcorp
Classification: Benign. Last evaluated: 2026-02-04. Review status: criteria provided, single submitter. Criteria: Invitae Variant Classification Sherloc (09022015). Collection method: clinical testing. Allele origin: germline.

Blueprint Genetics
Classification: Likely benign. Last evaluated: 2024-11-26. Review status: criteria provided, single submitter. Criteria: ACMG Guidelines, 2015. Collection method: clinical testing. Allele origin: germline.

Mayo Clinic Laboratories, Mayo Clinic
Classification: Benign. Last evaluated: 2022-09-29. Review status: criteria provided, single submitter. Criteria: ACMG Guidelines, 2015. Collection method: clinical testing. Allele origin: germline. Observed: 137 variant alleles.

GeneDx
Classification: Benign. Last evaluated: 2018-07-09. Review status: criteria provided, single submitter. Criteria: GeneDx Variant Classification Process June 2021. Collection method: clinical testing. Allele origin: germline. Affected: yes.

Laboratory for Molecular Medicine, Mass General Brigham Personalized Medicine
Classification: Benign. Last evaluated: 2013-02-21. Review status: criteria provided, single submitter. Criteria: LMM Criteria. Collection method: clinical testing. Allele origin: germline. Observed: 27 variant alleles.
Comment: 356-7C>T in intron 5 of DTNBP1: This variant is not expected to have clinical si gnificance because it has been identified in 16.0% (1380/8600) of European Ameri can chromosomes from a broad population by the NHLBI Exome Sequencing Project (dbSNP rs3829893).

PreventionGenetics, part of Exact Sciences
Classification: Benign. Review status: criteria provided, single submitter. Criteria: ACMG Guidelines, 2015. Collection method: clinical testing. Allele origin: germline.